The following is an entry in ClinVar:

NM_018834.6(MATR3):c.1130-15T>A

Gene: MATR3 (matrin 3; plus strand). Cytogenetic location: 5q31.2.
Variant type: single nucleotide variant.
Coding change: c.1130-15T>A on transcript NM_018834.6 (MANE Select); 15 bases into the intron before coding-DNA position 1130, T replaced by A.
Molecular consequence: intron variant.
Genome position (GRCh38, 1-based): chr5:139,317,038, T>A. VCF-style: chr5-139317038-T-A. GRCh37 (hg19) VCF-style: chr5-138652727-T-A.
Other names: c.1130-15T>A (NM_001400451.1, NM_001400450.1, NM_001400441.1 and 16 more transcripts); c.269-15T>A (NM_001400459.1); c.116-15T>A (NM_001400463.1, NM_001400460.1, NM_001282278.2 and 5 more transcripts); c.230-15T>A (NM_001400461.1); c.266-15T>A (NM_001194956.2).
Identifiers: ClinVar variation 2867786 (VCV002867786.4), dbSNP rs774202102, ClinGen allele CA3433052.

ClinVar aggregate classification (germline): Uncertain significance (1 of 4 stars; one submission).

Conditions:
Amyotrophic lateral sclerosis type 21. Also called: VOCAL CORD AND PHARYNGEAL DYSFUNCTION WITH DISTAL MYOPATHY; MYOPATHY, DISTAL, 2. Identifiers: Orphanet 600, Orphanet 803, MedGen C3807521, MONDO:0011632, OMIM 606070.

Allele frequency attached by ClinVar (database versions not stated): ExAC 0.00003.
gnomAD v4.1: 23 of 1,606,298 alleles (0.0014%); highest among the groups gnomAD compares: Non-Finnish European, 0.002%; no homozygotes.

Submissions (2):

Labcorp Genetics (formerly Invitae), Labcorp
Classification: Uncertain significance for Amyotrophic lateral sclerosis type 21. Last evaluated: 2025-10-08. Review status: criteria provided, single submitter. Criteria: Invitae Variant Classification Sherloc (09022015). Collection method: clinical testing. Allele origin: germline.
Comment: This sequence change falls in intron 8 of the MATR3 gene. It does not directly change the encoded amino acid sequence of the MATR3 protein. This variant is present in population databases (rs774202102, gnomAD 0.005%). This variant has not been reported in the literature in individuals affected with MATR3-related conditions. ClinVar contains an entry for this variant (Variation ID: 2867786). Algorithms developed to predict the effect of sequence changes on RNA splicing suggest that this variant may disrupt the consensus splice site. In summary, the available evidence is currently insufficient to determine the role of this variant in disease. Therefore, it has been classified as a Variant of Uncertain Significance.

Dr. Peter K. Rogan Lab, Western University
No classification provided (evidence only). Condition: Cervical cancer. Review status: no classification provided. Collection method: in vitro. Allele origin: not applicable. Functional consequence: skipped exon, retained intron. Not counted in ClinVar's aggregate classification.